The following is an entry in ClinVar:

NM_022455.5(NSD1):c.3021T>C (p.Ala1007=)

Gene: NSD1 (nuclear receptor binding SET domain protein 1; plus strand). Cytogenetic location: 5q35.3.
Variant type: single nucleotide variant.
Coding change: c.3021T>C on transcript NM_022455.5 (MANE Select); coding-DNA position 3021, T replaced by C.
Protein change: p.Ala1007=; no amino-acid change (alanine 1007 retained).
Molecular consequence: synonymous variant.
Genome position (GRCh38, 1-based): chr5:177,211,420, T>C. VCF-style: chr5-177211420-T-C. GRCh37 (hg19) VCF-style: chr5-176638421-T-C.
Other names: c.2148T>C, p.Ala716= (NM_001365684.2, NM_001409306.1, NM_001409307.1 and 3 more transcripts); c.3021T>C, p.Ala1007= (NM_001409301.1, NM_001409302.1, NM_001409303.1); c.2601T>C, p.Ala867= (NM_001409304.1); c.2268T>C, p.Ala756= (NM_001409305.1).
Identifiers: ClinVar variation 1167208 (VCV001167208.40), dbSNP rs201312975, ClinGen allele CA3577362.
Genomic context (GRCh38, chr5:177,211,420, plus strand): 5'-ATCTGGCGAGTTGTCTGCTTCCCTACCTGGCTTACTGTCCGACAAGAGAGACCTCCCTGC[T>C]TCTGGTAAAAGTCGTTCAGACTGTGTTACTAGGCGCAACTGTGGACGATCAAAGCCTTCA-3'
Protein context (NP_071900.2, residues 997-1017): GLLSDKRDLP[Ala1007=]SGKSRSDCVT

ClinVar aggregate classification (germline): Benign/Likely benign. Review status: criteria provided, multiple submitters, no conflicts (2 of 4 stars). 7 submissions from 7 submitters: Benign (3); Likely benign (3). 1 of the submissions does not count toward it. Last evaluated 2025-08-05.

Conditions:
NSD1-related disorder. Also called: NSD1-related condition.
Sotos syndrome (SOTOS). Also called: CHROMOSOME 5q35 DELETION SYNDROME; Sotos' syndrome; CEREBRAL GIGANTISM; Distinctive facial appearance, overgrowth in childhood, and learning disabilities or delayed development; SOTOS SYNDROME 1. Identifiers: Orphanet 821, MedGen C0175695, MONDO:0019349, OMIM 117550.
Inborn genetic diseases. Identifiers: MedGen C0950123, MeSH D030342.

Allele frequency attached by ClinVar (database versions not stated): ExAC 0.00011; gnomAD 0.00013 and 0.00014; ESP Exome Variant Server 0.00015; gnomAD exomes 0.00017 and 0.00043; TOPMed 0.00017.
gnomAD v4.1: 627 of 1,614,052 alleles (0.039%); highest among the groups gnomAD compares: Non-Finnish European, 0.048%; no homozygotes.

Submissions (7):

Labcorp Genetics (formerly Invitae), Labcorp
Classification: Benign. Last evaluated: 2025-08-05. Review status: criteria provided, single submitter. Criteria: Invitae Variant Classification Sherloc (09022015). Collection method: clinical testing. Allele origin: germline.

Blueprint Genetics
Classification: Likely benign. Last evaluated: 2024-11-08. Review status: criteria provided, single submitter. Criteria: ACMG Guidelines, 2015. Collection method: clinical testing. Allele origin: germline.

CeGaT Center for Human Genetics Tuebingen
Classification: Likely benign. Last evaluated: 2022-11-01. Review status: criteria provided, single submitter. Criteria: CeGaT Center For Human Genetics Tuebingen Variant Classification Criteria Version 2. Collection method: clinical testing. Allele origin: germline. Affected: yes. Observed: 1 variant allele.
Comment: NSD1: BP4, BP7

Genome-Nilou Lab
Classification: Benign for Sotos syndrome. Last evaluated: 2021-07-15. Review status: criteria provided, single submitter. Criteria: ACMG Guidelines, 2015. Collection method: clinical testing. Allele origin: germline. Affected: no.

GeneDx
Classification: Benign. Last evaluated: 2019-09-12. Review status: criteria provided, single submitter. Criteria: GeneDx Variant Classification Process June 2021. Collection method: clinical testing. Allele origin: germline. Affected: yes.

Ambry Genetics
Classification: Likely benign for Inborn genetic diseases. Last evaluated: 2018-01-22. Review status: criteria provided, single submitter. Criteria: Ambry Variant Classification Scheme 2023. Collection method: clinical testing. Allele origin: germline.

PreventionGenetics, part of Exact Sciences
Classification: Likely benign for NSD1-related condition. Last evaluated: 2019-07-23. Review status: no assertion criteria provided. Collection method: clinical testing. Allele origin: germline. Not counted in ClinVar's aggregate classification.
Comment: This variant is classified as likely benign based on ACMG/AMP sequence variant interpretation guidelines (Richards et al. 2015 PMID: 25741868, with internal and published modifications).